The following is an entry in ClinVar:

ClinVar aggregate classification (germline): Conflicting classifications of pathogenicity. Review status: criteria provided, conflicting classifications (1 of 4 stars). 2 submissions from 2 submitters: Uncertain significance (1); Likely benign (1). Last evaluated 2025-07-24.

Conditions:
Hereditary pancreatitis (PCTT). Also called: PRSS1-Related Hereditary Pancreatitis; Hereditary chronic pancreatitis. Identifiers: Orphanet 676, MedGen C0238339, MONDO:0008185, OMIM 167800.

Submissions (2):

Ambry Genetics
Classification: Likely benign for Hereditary pancreatitis. Last evaluated: 2025-07-24. Review status: criteria provided, single submitter. Criteria: Ambry Variant Classification Scheme 2023. Collection method: clinical testing. Allele origin: germline.

Labcorp Genetics (formerly Invitae), Labcorp
Classification: Uncertain significance. Last evaluated: 2024-04-29. Review status: criteria provided, single submitter. Criteria: Invitae Variant Classification Sherloc (09022015). Collection method: clinical testing. Allele origin: germline.
Comment: This sequence change replaces isoleucine, which is neutral and non-polar, with valine, which is neutral and non-polar, at codon 303 of the CPA1 protein (p.Ile303Val). This variant is not present in population databases (gnomAD no frequency). This variant has not been reported in the literature in individuals affected with CPA1-related conditions. Advanced modeling of protein sequence and biophysical properties (such as structural, functional, and spatial information, amino acid conservation, physicochemical variation, residue mobility, and thermodynamic stability) performed at Invitae indicates that this missense variant is not expected to disrupt CPA1 protein function with a negative predictive value of 80%. In summary, the available evidence is currently insufficient to determine the role of this variant in disease. Therefore, it has been classified as a Variant of Uncertain Significance.

NM_001868.4(CPA1):c.907A>G (p.Ile303Val)

Gene: CPA1 (carboxypeptidase A1; plus strand). Cytogenetic location: 7q32.2.
Variant type: single nucleotide variant.
Coding change: c.907A>G on transcript NM_001868.4 (MANE Select); coding-DNA position 907, A replaced by G.
Protein change: p.Ile303Val; replaces isoleucine 303 with valine.
Molecular consequence: missense variant.
Genome position (GRCh38, 1-based): chr7:130,385,265, A>G. VCF-style: chr7-130385265-A-G. GRCh37 (hg19) VCF-style: chr7-130025106-A-G.
Other names: c.907A>G (NM_001868.2); short protein forms I303V.
Identifiers: ClinVar variation 3718858 (VCV003718858.3).